The following is an entry in ClinVar:

ClinVar aggregate classification (germline): Benign (1 of 4 stars; one submission).

Conditions:
Spinocerebellar ataxia type 23 (SCA23). Identifiers: Orphanet 101108, MedGen C1853250, MONDO:0012449, OMIM 610245.

Allele frequency attached by ClinVar (database versions not stated): gnomAD exomes 0.00001; gnomAD 0.00008 and 0.00009; TOPMed 0.00008; 1000 Genomes Project 30x 0.00031; 1000 Genomes Project 0.00040.
gnomAD v4.1: 18 of 1,392,720 alleles (0.0013%); highest among the groups gnomAD compares: African/African-American, 0.021%; no homozygotes.

Submission:

Illumina Laboratory Services, Illumina
Classification: Benign for Spinocerebellar ataxia type 23. Last evaluated: 2018-01-13. Review status: criteria provided, single submitter. Criteria: ICSL Variant Classification Criteria 13 December 2019. Collection method: clinical testing. Allele origin: germline.
Comment: This variant was observed in the ICSL laboratory as part of a predisposition screen in an ostensibly healthy population. It had not been previously curated by ICSL or reported in the Human Gene Mutation Database (HGMD: prior to June 1st, 2018), and was therefore a candidate for classification through an automated scoring system. Utilizing variant allele frequency, disease prevalence and penetrance estimates, and inheritance mode, an automated score was calculated to assess if this variant is too frequent to cause the disease. Based on the score and internal cut-off values, a variant classified as benign is not then subjected to further curation. The score for this variant resulted in a classification of benign for this disease.

NM_024411.5(PDYN):c.*78A>G

Genes: PDYN (prodynorphin; minus strand), PDYN-AS1 (PDYN antisense RNA 1; plus strand). Cytogenetic location: 20p13.
Variant type: single nucleotide variant.
Coding change: c.*78A>G on transcript NM_024411.5 (MANE Select); 78 bases downstream of the stop codon, A replaced by G.
Molecular consequence: 3 prime UTR variant.
Genome position (GRCh38, 1-based): chr20:1,980,245, T>C on the plus strand (A>G on the coding strand, the complement: PDYN is on the minus strand). VCF-style: chr20-1980245-T-C. GRCh37 (hg19) VCF-style: chr20-1960891-T-C.
Other names: c.*78A>G (NM_001190892.1, NM_001190898.3, NM_001190899.2 and 1 more transcripts).
Identifiers: ClinVar variation 896492 (VCV000896492.4), dbSNP rs537887207, ClinGen allele CA310825213.